The following is an entry in ClinVar:

ClinVar aggregate classification (germline): Uncertain significance. Review status: criteria provided, multiple submitters, no conflicts (2 of 4 stars). 2 submissions from 2 submitters: Uncertain significance (2). Last evaluated 2024-02-15.

Conditions:
Trichothiodystrophy 9, nonphotosensitive (TTD9). Identifiers: MedGen C5562058, MONDO:0030518, OMIM 619692.
Charcot-Marie-Tooth disease axonal type 2U. Also called: CHARCOT-MARIE-TOOTH NEUROPATHY, TYPE 2U; CHARCOT-MARIE-TOOTH DISEASE, AXONAL, AUTOSOMAL DOMINANT, TYPE 2U. Identifiers: Orphanet 397735, MedGen C4084821, MONDO:0014566, OMIM 616280.
Severe early-onset pulmonary alveolar proteinosis due to MARS deficiency. Also called: PULMONARY ALVEOLAR PROTEINOSIS, REUNION ISLAND; Interstitial lung and liver disease. Identifiers: Orphanet 440427, MedGen C4225400, MONDO:0014206, OMIM 615486.

gnomAD v4.1: 10 of 1,614,012 alleles (0.00062%); highest among the groups gnomAD compares: African/African-American, 0.0013%; no homozygotes.

Submissions (2):

Baylor Genetics
Classification: Uncertain significance for Trichothiodystrophy 9, nonphotosensitive. Last evaluated: 2024-02-15. Review status: criteria provided, single submitter. Criteria: ACMG Guidelines, 2015. Collection method: clinical testing. Allele origin: unknown.

Labcorp Genetics (formerly Invitae), Labcorp
Classification: Uncertain significance for Charcot-Marie-Tooth disease axonal type 2U; Severe early-onset pulmonary alveolar proteinosis due to MARS deficiency. Last evaluated: 2021-12-23. Review status: criteria provided, single submitter. Criteria: Invitae Variant Classification Sherloc (09022015). Collection method: clinical testing. Allele origin: germline.
Comment: In summary, the available evidence is currently insufficient to determine the role of this variant in disease. Therefore, it has been classified as a Variant of Uncertain Significance. Algorithms developed to predict the effect of missense changes on protein structure and function are either unavailable or do not agree on the potential impact of this missense change (SIFT: "Deleterious"; PolyPhen-2: "Probably Damaging"; Align-GVGD: "Class C15"). This variant has not been reported in the literature in individuals affected with MARS-related conditions. This variant is present in population databases (no rsID available, gnomAD 0.002%). This sequence change replaces aspartic acid, which is acidic and polar, with tyrosine, which is neutral and polar, at codon 368 of the MARS protein (p.Asp368Tyr).

NM_004990.4(MARS1):c.1102G>T (p.Asp368Tyr)

Gene: MARS1 (methionyl-tRNA synthetase 1; plus strand). Cytogenetic location: 12q13.3.
Variant type: single nucleotide variant.
Coding change: c.1102G>T on transcript NM_004990.4 (MANE Select); coding-DNA position 1102, G replaced by T.
Protein change: p.Asp368Tyr; replaces aspartic acid 368 with tyrosine.
Molecular consequence: missense variant.
Genome position (GRCh38, 1-based): chr12:57,500,331, G>T. VCF-style: chr12-57500331-G-T. GRCh37 (hg19) VCF-style: chr12-57894114-G-T.
Other names: short protein forms D368Y.
Identifiers: ClinVar variation 2190237 (VCV002190237.5), dbSNP rs774396381, ClinGen allele CA385457438.